The following is an entry in ClinVar:

ClinVar aggregate classification (germline): Uncertain significance (1 of 4 stars; one submission).

Conditions:
Cardiospondylocarpofacial syndrome (CSCF). Identifiers: Orphanet 3238, MedGen C2931461, MONDO:0008005, OMIM 157800.

Allele frequency attached by ClinVar (database versions not stated): gnomAD 0.00001.
gnomAD v4.1: 10 of 1,489,866 alleles (0.00067%); highest among the groups gnomAD compares: Middle Eastern, 0.069%; 1 homozygote.

Submission:

Baylor Genetics
Classification: Uncertain significance for Cardiospondylocarpofacial syndrome. Last evaluated: 2020-08-01. Review status: criteria provided, single submitter. Criteria: ACMG Guidelines, 2015. Collection method: clinical testing. Allele origin: unknown. Affected: yes.
Comment: This variant was determined to be of uncertain significance according to ACMG Guidelines, 2015 [PMID:25741868].

NM_145331.3(MAP3K7):c.868-17T>A

Gene: MAP3K7 (mitogen-activated protein kinase kinase kinase 7; minus strand). Cytogenetic location: 6q15.
Variant type: single nucleotide variant.
Coding change: c.868-17T>A on transcript NM_145331.3 (MANE Select); 17 bases into the intron before coding-DNA position 868, T replaced by A.
Molecular consequence: intron variant.
Genome position (GRCh38, 1-based): chr6:90,550,566, A>T on the plus strand (T>A on the coding strand, the complement: MAP3K7 is on the minus strand). VCF-style: chr6-90550566-A-T. GRCh37 (hg19) VCF-style: chr6-91260285-A-T.
Other names: c.868-17T>A (NM_145333.3, NM_003188.4, NM_145332.3).
Identifiers: ClinVar variation 1031196 (VCV001031196.1), dbSNP rs745706611, ClinGen allele CA1091726650.